The following is an entry in ClinVar:

NM_004453.4(ETFDH):c.383T>C (p.Phe128Ser)

Gene: ETFDH (electron transfer flavoprotein dehydrogenase; plus strand). Cytogenetic location: 4q32.1.
Variant type: single nucleotide variant.
Coding change: c.383T>C on transcript NM_004453.4 (MANE Select); coding-DNA position 383, T replaced by C.
Protein change: p.Phe128Ser; replaces phenylalanine 128 with serine.
Molecular consequence: missense variant.
Genome position (GRCh38, 1-based): chr4:158,682,402, T>C. VCF-style: chr4-158682402-T-C. GRCh37 (hg19) VCF-style: chr4-159603554-T-C.
Other names: c.242T>C, p.Phe81Ser (NM_001281737.2); c.200T>C, p.Phe67Ser (NM_001281738.1); short protein forms F128S, F67S, F81S.
Identifiers: ClinVar variation 449387 (VCV000449387.2), dbSNP rs1554031490, ClinGen allele CA358574502.
Genomic context (GRCh38, chr4:158,682,402, plus strand): 5'-AGATAGGAGCTCATACTCTCTCAGGGGCTTGCCTTGATCCAGGTGCTTTTAAAGAACTCT[T>C]CCCAGACTGGAAAGAGAAGGGGGTATGAAAAATTGTTTTTTATACAAAGTCTAATCTTTT-3'
Protein context (NP_004444.2, residues 118-138): CLDPGAFKEL[Phe128Ser]PDWKEKGAPL

ClinVar aggregate classification (germline): Likely pathogenic (1 of 4 stars; one submission).

Submission:

GeneDx
Classification: Likely pathogenic. Last evaluated: 2017-07-28. Review status: criteria provided, single submitter. Criteria: GeneDx Variant Classification (06012015). Collection method: clinical testing. Allele origin: germline. Affected: yes.
Comment: The F128L variant has not been published as a pathogenic variant, nor has it been reported as a benign variant to our knowledge. The F128L variant is not observed in large population cohorts (Lek et al., 2016; 1000 Genomes Consortium et al., 2015; Exome Variant Server). The F128L variant is a conservative amino acid substitution, which is not likely to impact secondary protein structure as these residues share similar properties. This substitution occurs at a position that is conserved across species. In silico analysis is inconsistent in its predictions as to whether or not the variant is damaging to the protein structure/function. Another missense variant in the same residue (F128S) have been reported in the Human Gene Mutation Database in association with GAII (Stenson et al., 2014), supporting the functional importance of this region of the protein. In summary, this variant is likely pathogenic; however, the possibility that it is benign cannot be excluded.